The following is an entry in ClinVar:

ClinVar aggregate classification (germline): Conflicting classifications of pathogenicity. Review status: criteria provided, conflicting classifications (1 of 4 stars). 9 submissions from 9 submitters: Likely pathogenic (2); Uncertain significance (5); Likely benign (1). 1 of the submissions does not count toward it. Last evaluated 2026-01-11.

Conditions:
DDX41-related hematologic malignancy predisposition syndrome. Also called: DDX41-Associated Familial Myelodysplastic Syndrome and Acute Myeloid Leukemia; Myeloproliferative/lymphoproliferative neoplasms, familial (multiple types), susceptibility to. Identifiers: Orphanet 488647, MedGen C4225174, MONDO:0014809, OMIM 616871.
Inborn genetic diseases. Identifiers: MedGen C0950123, MeSH D030342.

Allele frequency attached by ClinVar (database versions not stated): gnomAD exomes 0.00012 and 0.00014; ExAC 0.00014; TOPMed 0.00014; ESP Exome Variant Server 0.00015; gnomAD 0.00016 and 0.00017.
gnomAD v4.1: 238 of 1,614,020 alleles (0.015%); highest among the groups gnomAD compares: Middle Eastern, 0.049%; no homozygotes.

Submissions (9):

Labcorp Genetics (formerly Invitae), Labcorp
Classification: Likely benign. Last evaluated: 2026-01-11. Review status: criteria provided, single submitter. Criteria: Invitae Variant Classification Sherloc (09022015). Collection method: clinical testing. Allele origin: germline.

Saint-Louis Hospital, Assistance Publique Hôpitaux de Paris
Classification: Likely pathogenic for DDX41-related hematologic malignancy predisposition syndrome. Last evaluated: 2025-05-13. Review status: criteria provided, single submitter. Criteria: ACMG Guidelines, 2015. Collection method: clinical testing. Allele origin: germline. Affected: yes.
Comment: The variant DDX41 (NM_016222.4):c.490C>T:p.(Arg164Trp) is very rare in control population databases (<10-4) and predicted to be pathogenic according to several algorithms (Alphamisense score at 0.895). It has been reported in individuals with suspected or confirmed predisposition to myeloid malignancies (Li et al, Blood, 2022, PMID: 35671390 ; Tierens et al, 2023, PMID: 37434984; Cheloor Kovilakam et al, 2023, PMID: 37506341)

Ambry Genetics
Classification: Uncertain significance for Inborn genetic diseases. Last evaluated: 2024-12-06. Review status: criteria provided, single submitter. Criteria: Ambry Variant Classification Scheme 2023. Collection method: clinical testing. Allele origin: germline.
Comment: The p.R164W variant (also known as c.490C>T), located in coding exon 6 of the DDX41 gene, results from a C to T substitution at nucleotide position 490. The arginine at codon 164 is replaced by tryptophan, an amino acid with dissimilar properties. This alteration has been reported as a presumed germline finding in numerous individuals with a suspected or confirmed myeloid neoplasm (Li P et al. Blood, 2022 Aug;140:716-755; Tierens A et al. Front Oncol, 2023 Jun;13:1153082; Cheloor Kovilakam S et al. Blood, 2023 Oct;142:1185-1192). This amino acid position is highly conserved in available vertebrate species. In addition, the in silico prediction for this alteration is inconclusive. Based on the available evidence, the clinical significance of this variant remains unclear.

Molecular Pathology, Peter Maccallum Cancer Centre
Classification: Uncertain significance for DDX41-related hematologic malignancy predisposition syndrome. Last evaluated: 2024-11-28. Review status: criteria provided, single submitter. Criteria: ACMG Guidelines, 2015. Collection method: clinical testing. Allele origin: germline.

GeneDx
Classification: Uncertain significance. Last evaluated: 2024-07-12. Review status: criteria provided, single submitter. Criteria: GeneDx Variant Classification Process June 2021. Collection method: clinical testing. Allele origin: germline.
Comment: Published functional studies demonstrate that this variant does not impact nuclear localization (PMID: 26712909); In silico analysis supports that this missense variant has a deleterious effect on protein structure/function; This variant is associated with the following publications: (PMID: 28547672, 26917736, 27819178, 27928732, 28637623, 35781188, 36672294, 35671390, 26712909, 37434984, 37556141, 37506341)

Blueprint Genetics
Classification: Uncertain significance. Last evaluated: 2024-06-26. Review status: criteria provided, single submitter. Criteria: ACMG Guidelines, 2015. Collection method: clinical testing. Allele origin: germline.

Baylor Genetics
Classification: Uncertain significance for DDX41-related hematologic malignancy predisposition syndrome. Last evaluated: 2023-10-30. Review status: criteria provided, single submitter. Criteria: ACMG Guidelines, 2015. Collection method: clinical testing. Allele origin: unknown.

Genetic Services Laboratory, University of Chicago
Classification: Likely pathogenic. Last evaluated: 2021-09-29. Review status: criteria provided, single submitter. Criteria: ACMG Guidelines, 2015. Collection method: clinical testing. Allele origin: germline. Affected: yes.
Comment: DNA sequence analysis of the DDX41 gene demonstrated a sequence change, c.490C>T, in exon 6 that results in an amino acid change, p.Arg164Trp. This sequence change has been described in the gnomAD database with a frequency of 0.16% in Ashkenazi Jewish populations (dbSNP rs142143752). The p.Arg164Trp change has been identified segregating with lymphoid malignancies in five individuals from one family (PMID: 26712909). This variant has also been seen in a second family where it segregates with lymphoid malignancies (verbal communication). The p.Arg164Trp change affects a highly conserved amino acid residue located adjacent to the Q motif, a region involved in adenosine triphosphate binding and hydrolysis, and thought to be important for regulating DDX41 helicase activity. The majority of in-silico pathogenicity prediction tools (SIFT, PolyPhen2, Align GVGD, REVEL) provide results for the p.Arg164Trp substitution that suggest it be pathogenic. Functional studies demonstrate that the p.Arg164Trp change does not overtly affect protein translation or localization (PMID: 26712909); however, the impact on protein activity or binding ability has not been determined. These collective evidences indicate this this sequence change is likely pathogenic.

OMIM
Classification: risk factor for MYELOPROLIFERATIVE/LYMPHOPROLIFERATIVE NEOPLASMS, FAMILIAL (MULTIPLE TYPES), SUSCEPTIBILITY TO. Last evaluated: 2023-03-16. Review status: no assertion criteria provided. Collection method: literature only. Allele origin: germline. Not counted in ClinVar's aggregate classification.

Literature cited by the submitters: PubMed 35671390 (cited by Saint-Louis Hospital, Assistance Publique Hôpitaux de Paris and Ambry Genetics); PubMed 37434984 (cited by Saint-Louis Hospital, Assistance Publique Hôpitaux de Paris and Ambry Genetics); PubMed 37506341 (cited by Saint-Louis Hospital, Assistance Publique Hôpitaux de Paris and Ambry Genetics); PubMed 26712909 (cited by OMIM).

NM_016222.4(DDX41):c.490C>T (p.Arg164Trp)

Gene: DDX41 (DEAD-box helicase 41; minus strand). Cytogenetic location: 5q35.3.
Variant type: single nucleotide variant.
Coding change: c.490C>T on transcript NM_016222.4 (MANE Select); coding-DNA position 490, C replaced by T.
Protein change: p.Arg164Trp; replaces arginine 164 with tryptophan.
Molecular consequence: missense variant.
Genome position (GRCh38, 1-based): chr5:177,515,766, G>A on the plus strand (C>T on the coding strand, the complement: DDX41 is on the minus strand). VCF-style: chr5-177515766-G-A. GRCh37 (hg19) VCF-style: chr5-176942767-G-A.
Other names: c.490C>T, p.Arg164Trp (LRG_1386t1); c.112C>T, p.Arg38Trp (NM_001321830.2, NM_001321732.2); short protein forms R164W, R38W.
Identifiers: ClinVar variation 224638 (VCV000224638.19), dbSNP rs142143752, ClinGen allele CA358665.